The following is an entry in ClinVar:

ClinVar aggregate classification (germline): Uncertain significance (1 of 4 stars; one submission).

Submission:

GeneDx
Classification: Uncertain significance. Last evaluated: 2024-04-30. Review status: criteria provided, single submitter. Criteria: GeneDx Variant Classification Process June 2021. Collection method: clinical testing. Allele origin: germline. Affected: yes.
Comment: Not observed at significant frequency in large population cohorts (gnomAD); Nonsense variant predicted to result in protein truncation or nonsense mediated decay in a gene or region of a gene for which loss of function is not a well-established mechanism of disease; Has not been previously published as pathogenic or benign to our knowledge

NM_002971.6(SATB1):c.344_348delinsAGCAATGTCAATTGCTATGTCAATGGCATAGCAATGACAGCA (p.Leu115_Leu116delinsTer)

Gene: SATB1 (SATB homeobox 1; minus strand). Cytogenetic location: 3p24.3.
Variant type: Indel.
Coding change: c.344_348delinsAGCAATGTCAATTGCTATGTCAATGGCATAGCAATGACAGCA on transcript NM_002971.6 (MANE Select); coding-DNA positions 344 to 348, the reference bases replaced by an inserted sequence.
Protein change: p.Leu115_Leu116delinsTer.
Molecular consequence: nonsense.
Genome position (GRCh38, 1-based): chr3:18,416,942-18,416,946, 5 bases replaced. GRCh37 (hg19): chr3:18,458,434-18,458,438.
Other names: c.344_348delinsAGCAATGTCAATTGCTATGTCAATGGCATAGCAATGACAGCA, p.Leu115_Leu116delinsTer (NM_001131010.4, NM_001195470.3, NM_001322871.2 and 4 more transcripts); c.128_132delinsAGCAATGTCAATTGCTATGTCAATGGCATAGCAATGACAGCA, p.Leu43_Leu44delinsTer (NM_001322876.2).
Identifiers: ClinVar variation 3373273 (VCV003373273.1).